The following is an entry in ClinVar:

NM_006494.4(ERF):c.213G>T (p.Lys71Asn)

Gene: ERF (ETS2 repressor factor; minus strand). Cytogenetic location: 19q13.2.
Variant type: single nucleotide variant.
Coding change: c.213G>T on transcript NM_006494.4 (MANE Select); coding-DNA position 213, G replaced by T.
Protein change: p.Lys71Asn; replaces lysine 71 with asparagine.
Molecular consequence: missense variant. On other transcripts: 5 prime UTR variant (3).
Genome position (GRCh38, 1-based): chr19:42,250,375, C>A on the plus strand (G>T on the coding strand, the complement: ERF is on the minus strand). VCF-style: chr19-42250375-C-A. GRCh37 (hg19) VCF-style: chr19-42754527-C-A.
Other names: c.-13G>T (NM_001301035.2, NM_001308402.2, NM_001312656.2); short protein forms K71N.
Identifiers: ClinVar variation 3899148 (VCV003899148.1).

ClinVar aggregate classification (germline): Uncertain significance (1 of 4 stars; one submission).

Submission:

GeneDx
Classification: Uncertain significance. Last evaluated: 2024-11-07. Review status: criteria provided, single submitter. Criteria: GeneDx Variant Classification Process June 2021. Collection method: clinical testing. Allele origin: germline. Affected: yes.
Comment: Not observed at significant frequency in large population cohorts (gnomAD); In silico analysis supports that this missense variant has a deleterious effect on protein structure/function; Has not been previously published as pathogenic or benign to our knowledge